The following is an entry in ClinVar:

ClinVar aggregate classification (germline): Pathogenic (1 of 4 stars; one submission).

Conditions:
Aniridia 1 (AN1). Identifiers: Orphanet 250923, MedGen C0344542, MONDO:0024507, OMIM 106210.
Irido-corneo-trabecular dysgenesis (ASGD5). Also called: ANTERIOR SEGMENT DYSGENESIS 5. Identifiers: Orphanet 708, MedGen C0344559, MONDO:0011414, OMIM 604229, HP:0000659.

Submission:

Labcorp Genetics (formerly Invitae), Labcorp
Classification: Pathogenic for Aniridia 1; Irido-corneo-trabecular dysgenesis. Last evaluated: 2020-02-21. Review status: criteria provided, single submitter. Criteria: Invitae Variant Classification Sherloc (09022015). Collection method: clinical testing. Allele origin: germline.
Comment: This variant is not present in population databases (ExAC no frequency). This sequence change creates a premature translational stop signal (p.Pro250Glyfs*5) in the PAX6 gene. It is expected to result in an absent or disrupted protein product. For these reasons, this variant has been classified as Pathogenic. Loss-of-function variants in PAX6 are known to be pathogenic (PMID: 12634864). Algorithms developed to predict the effect of sequence changes on RNA splicing suggest that this variant may disrupt the consensus splice site, but this prediction has not been confirmed by published transcriptional studies. This variant has been observed in individual(s) with aniridia (Invitae).

Literature cited by the submitters: PubMed 12634864.

NM_001368894.2(PAX6):c.790_806del (p.Pro264fs)

Gene: PAX6 (paired box 6; minus strand). Cytogenetic location: 11p13.
Variant type: Deletion.
Coding change: c.790_806del on transcript NM_001368894.2 (MANE Select); coding-DNA positions 790 to 806, 17 bases deleted (CCTGAAGCAAGAATACA).
Protein change: p.Pro264fs; shifts the reading frame from proline 264.
Molecular consequence: frameshift variant.
Genome position (GRCh38, 1-based): chr11:31,794,033-31,794,049, TGTATTCTTGCTTCAGG deleted on the plus strand (CCTGAAGCAAGAATACA on the coding strand, the reverse complement: PAX6 is on the minus strand); deleting any 17 consecutive bases within chr11:31,794,033-31,794,050 gives the same sequence; the c. name uses the placement nearest the transcript's 3' end. VCF-style (leftmost placement, unchanged base first): chr11-31794032-CTGTATTCTTGCTTCAGG-C. GRCh37 (hg19) VCF-style: chr11-31815580-CTGTATTCTTGCTTCAGG-C.
Other names: c.865_881del, p.Pro289fs (NM_001368918.2, NM_001368919.2); c.823_839del, p.Pro275fs (NM_001368920.2); c.589_605del, p.Pro197fs (NM_001368921.2, NM_001368922.2, NM_001368923.2 and 4 more transcripts); c.790_806del, p.Pro264fs (NM_001604.6, NM_001258462.3, NM_001258463.2 and 6 more transcripts); c.547_563del, p.Pro183fs (NM_001368928.2); c.340_356del, p.Pro114fs (NM_001368929.2, NM_001310160.2, NM_001310161.3 and 11 more transcripts); c.145_161del, p.Pro49fs (NM_001368930.2); c.748_764del, p.Pro250fs (NM_000280.6, NM_001127612.3, NM_001258464.2 and 10 more transcripts); and 2 more; short protein forms P114fs, P183fs, P197fs, P250fs, P264fs, P265fs, P275fs, P289fs.
Identifiers: ClinVar variation 1069925 (VCV001069925.8), dbSNP rs2134609949, ClinGen allele CA2499220925.
Genomic context (GRCh38, chr11:31,794,032, plus strand): 5'-TCTCTAGGAAAGACAAATGGTATGAATCACAAAGTGTGAAACTGCACAGTCTCTCGGTAC[CTGTATTCTTGCTTCAGG>C]TAGATCTATTTTGGCTGCTAGTCTTTCTCGGGCAAACACATCTGGATAATGGGTTCTCTC-3'